The following is an entry in ClinVar:

ClinVar aggregate classification (germline): Likely benign (1 of 4 stars; one submission).

Conditions:
Ichthyosis, annular epidermolytic 1. Identifiers: MedGen CN324065, MONDO:0100303, OMIM 607602.
Epidermolytic hyperkeratosis 1 (EHK1). Also called: BULLOUS ERYTHRODERMA ICHTHYOSIFORMIS CONGENITA OF BROCQ; BULLOUS CONGENITAL ICHTHYOSIFORM ERYTHRODERMA. Identifiers: MedGen C5781874, MONDO:0700249, OMIM 113800.
Congenital reticular ichthyosiform erythroderma (IWC). Also called: ICHTHYOSIS WITH CONFETTI. Identifiers: Orphanet 281190, MedGen C3665704, MONDO:0012208, OMIM 609165.
Ichthyosis hystrix gravior. Also called: Ichthyosis histrix, Lambert type. Identifiers: MedGen C0432311, MONDO:0007809, OMIM 146600.

Allele frequency attached by ClinVar (database versions not stated): gnomAD 0.00017; TOPMed 0.00026; gnomAD exomes 0.00001; ExAC 0.00006; ESP Exome Variant Server 0.00023.

Submission:

Center for Genomics, Ann and Robert H. Lurie Children's Hospital of Chicago
Classification: Likely benign for Ichthyosis, annular epidermolytic 1; Epidermolytic hyperkeratosis 1; Ichthyosis hystrix gravior; Congenital reticular ichthyosiform erythroderma. Review status: criteria provided, single submitter. Criteria: ACMG Guidelines, 2015. Collection method: clinical testing. Allele origin: germline.
Comment: This variant has not been reported in the literature but is present in the Genome Aggregation Database (Highest reported MAF: 0.06% [25/41430]). Although this variant occurs in the splice region, computational prediction tools do not suggest that it alters splicing. However, further studies are needed to understand its impact. In summary, data on this variant suggests that this variant does not cause disease but requires further evidence. Therefore, this variant is classified as likely benign

NM_000421.5(KRT10):c.1749-10A>G

Gene: KRT10 (keratin 10; minus strand). Cytogenetic location: 17q21.2.
Variant type: single nucleotide variant.
Coding change: c.1749-10A>G on transcript NM_000421.5 (MANE Select); 10 bases into the intron before coding-DNA position 1749, A replaced by G.
Molecular consequence: intron variant.
Genome position (GRCh38, 1-based): chr17:40,818,492, T>C on the plus strand (A>G on the coding strand, the complement: KRT10 is on the minus strand). VCF-style: chr17-40818492-T-C. GRCh37 (hg19) VCF-style: chr17-38974744-T-C.
Other names: c.1769-10A>G (NM_001379366.1).
Identifiers: ClinVar variation 2500052 (VCV002500052.2), dbSNP rs373397541, ClinGen allele CA8547847.
Genomic context (GRCh38, chr17:40,818,492, plus strand): 5'-CGGGCGCCACCTCTTCAATAATTGTCTTGATTACTCTGGTTTTGTTAGTATCTGTGTGAA[T>C]GATGGAAAAAAAATTTTAAACAGTCTGTAGGGATCCTTAGTAATTAACAAGCAAATATTG-3'